The following is an entry in ClinVar:

NM_000051.4(ATM):c.8412A>G (p.Lys2804=)

Genes: ATM (ATM serine/threonine kinase; plus strand), C11orf65 (chromosome 11 open reading frame 65; minus strand). Cytogenetic location: 11q22.3.
Variant type: single nucleotide variant.
Coding change: c.8412A>G on transcript NM_000051.4 (MANE Select); coding-DNA position 8412, A replaced by G.
Protein change: p.Lys2804=; no amino-acid change (lysine 2804 retained).
Molecular consequence: synonymous variant. On other transcripts: intron variant (2).
Genome position (GRCh38, 1-based): chr11:108,343,365, A>G. VCF-style: chr11-108343365-A-G. GRCh37 (hg19) VCF-style: chr11-108214092-A-G.
Other names: c.695-8073T>C (NM_001351110.2); c.8412A>G, p.Lys2804= (NM_001351834.2); c.641-34294T>C (NM_001330368.2).
Identifiers: ClinVar variation 508545 (VCV000508545.4), dbSNP rs1555135872, ClinGen allele CA476672776.

ClinVar aggregate classification (germline): Likely benign. Review status: criteria provided, multiple submitters, no conflicts (2 of 4 stars). 2 submissions from 2 submitters: Likely benign (2). Last evaluated 2024-09-05.

Conditions:
Hereditary cancer-predisposing syndrome. Also called: Hereditary Cancer Syndrome; Neoplastic Syndromes, Hereditary; Tumor predisposition; Hereditary neoplastic syndrome. Identifiers: Orphanet 140162, MedGen C0027672, MeSH D009386, MONDO:0015356.

Submissions (2):

Ambry Genetics
Classification: Likely benign for Hereditary cancer-predisposing syndrome. Last evaluated: 2024-09-05. Review status: criteria provided, single submitter. Criteria: Ambry Variant Classification Scheme 2023. Collection method: clinical testing. Allele origin: germline.

GeneDx
Classification: Likely benign. Last evaluated: 2017-04-04. Review status: criteria provided, single submitter. Criteria: GeneDx Variant Classification (06012015). Collection method: clinical testing. Allele origin: germline. Affected: yes.
Comment: This variant is considered likely benign or benign based on one or more of the following criteria: it is a conservative change, it occurs at a poorly conserved position in the protein, it is predicted to be benign by multiple in silico algorithms, and/or has population frequency not consistent with disease.